The following is an entry in ClinVar:

ClinVar aggregate classification (germline): Pathogenic (1 of 4 stars; one submission).

Conditions:
Polyglandular autoimmune syndrome, type 1 (APS1). Also called: HYPOADRENOCORTICISM WITH HYPOPARATHYROIDISM AND SUPERFICIAL MONILIASIS; PGA I; AUTOIMMUNE POLYENDOCRINE SYNDROME, TYPE I, WITH OR WITHOUT REVERSIBLE METAPHYSEAL DYSPLASIA; APS I; Autoimmune polyendocrinopathy syndrome , type I, with or without reversible metaphyseal dysplasia; Whitaker syndrome. Identifiers: Orphanet 3453, MedGen C0085859, MONDO:0009411, OMIM 240300.

Submission:

Labcorp Genetics (formerly Invitae), Labcorp
Classification: Pathogenic for Polyglandular autoimmune syndrome, type 1. Last evaluated: 2024-01-27. Review status: criteria provided, single submitter. Criteria: Invitae Variant Classification Sherloc (09022015). Collection method: clinical testing. Allele origin: germline.
Comment: This sequence change creates a premature translational stop signal (p.His319Profs*59) in the AIRE gene. It is expected to result in an absent or disrupted protein product. Loss-of-function variants in AIRE are known to be pathogenic (PMID: 11524731, 26141571). This variant is not present in population databases (gnomAD no frequency). This variant has not been reported in the literature in individuals affected with AIRE-related conditions. Algorithms developed to predict the effect of sequence changes on RNA splicing suggest that this variant may disrupt the consensus splice site. For these reasons, this variant has been classified as Pathogenic.

Literature cited by the submitters: PubMed 11524731; PubMed 26141571.

NM_000383.4(AIRE):c.956del (p.His319fs)

Gene: AIRE (autoimmune regulator; plus strand). Cytogenetic location: 21q22.3.
Variant type: Deletion.
Coding change: c.956del on transcript NM_000383.4 (MANE Select); coding-DNA position 956, one base deleted (A; older notation c.956delA).
Protein change: p.His319fs; shifts the reading frame from histidine 319.
Molecular consequence: frameshift variant.
Genome position (GRCh38, 1-based): chr21:44,291,171, A deleted. VCF-style (leftmost placement, unchanged base first): chr21-44291170-CA-C. GRCh37 (hg19) VCF-style: chr21-45711053-CA-C.
Other names: short protein forms H319fs.
Identifiers: ClinVar variation 3636936 (VCV003636936.2).